The following is an entry in ClinVar:

NM_000397.4(CYBB):c.169G>T (p.Ala57Ser)

Gene: CYBB (cytochrome b-245 beta chain; plus strand). Cytogenetic location: Xp21.1.
Variant type: single nucleotide variant.
Coding change: c.169G>T on transcript NM_000397.4 (MANE Select); coding-DNA position 169, G replaced by T.
Protein change: p.Ala57Ser; replaces alanine 57 with serine.
Molecular consequence: missense variant.
Genome position (GRCh38, 1-based): chrX:37,783,517, G>T. VCF-style: chrX-37783517-G-T. GRCh37 (hg19) VCF-style: chrX-37642770-G-T.
Other names: short protein forms A57S.
Identifiers: ClinVar variation 2166020 (VCV002166020.6), dbSNP rs1928998515, ClinGen allele CA412972745.

ClinVar aggregate classification (germline): Conflicting classifications of pathogenicity. Review status: criteria provided, conflicting classifications (1 of 4 stars). 2 submissions from 2 submitters: Likely pathogenic (1); Uncertain significance (1). Last evaluated 2025-07-25.

Conditions:
Granulomatous disease, chronic, X-linked. Also called: GRANULOMATOUS DISEASE, CHRONIC, X-LINKED, SOMATIC MOSAIC; CYTOCHROME b-NEGATIVE GRANULOMATOUS DISEASE, CHRONIC, X-LINKED. Identifiers: Orphanet 379, MedGen C1844376, MONDO:0010600, OMIM 306400.

Allele frequency attached by ClinVar (database versions not stated): gnomAD exomes below 0.00001; TOPMed 0.00001.
gnomAD v4.1: 2 of 1,209,452 alleles (0.00017%); highest among the groups gnomAD compares: Non-Finnish European, 0.00022%; no homozygotes.

Submissions (2):

Women's Health and Genetics/Laboratory Corporation of America, LabCorp
Classification: Uncertain significance. Last evaluated: 2025-07-25. Review status: criteria provided, single submitter. Criteria: LabCorp Variant Classification Summary - May 2015. Collection method: clinical testing. Allele origin: germline.
Comment: Variant summary: CYBB c.169G>T (p.Ala57Ser) results in a conservative amino acid change in the encoded protein sequence. Algorithms developed to predict the effect of missense changes on protein structure and function are either unavailable or do not agree on the potential impact of this missense change. The variant allele was found at a frequency of 1.7e-06 in 1204427 control chromosomes in the gnomAD database (v4.1 dataset), including 1 hemizygote. The available data on variant occurrences in the general population are insufficient to allow any conclusion about variant significance. To our knowledge, no occurrence of c.169G>T in individuals affected with X-Linked Chronic Granulomatous Disease and no experimental evidence demonstrating its impact on protein function have been reported. A different variant affecting the same codon has been classified as pathogenic by our lab (c.170C>A, p.Ala57Glu), supporting the critical relevance of codon 57 to CYBB protein function. ClinVar contains an entry for this variant (Variation ID: 2166020). Based on the evidence outlined above, the variant was classified as uncertain significance.

Labcorp Genetics (formerly Invitae), Labcorp
Classification: Likely pathogenic for Granulomatous disease, chronic, X-linked. Last evaluated: 2022-08-31. Review status: criteria provided, single submitter. Criteria: Invitae Variant Classification Sherloc (09022015). Collection method: clinical testing. Allele origin: germline.
Comment: In summary, the currently available evidence indicates that the variant is pathogenic, but additional data are needed to prove that conclusively. Therefore, this variant has been classified as Likely Pathogenic. This variant disrupts the p.Ala57 amino acid residue in CYBB. Other variant(s) that disrupt this residue have been determined to be pathogenic (PMID: 8101486, 10914676, 21659519, 30470980). This suggests that this residue is clinically significant, and that variants that disrupt this residue are likely to be disease-causing. This sequence change replaces alanine, which is neutral and non-polar, with serine, which is neutral and polar, at codon 57 of the CYBB protein (p.Ala57Ser). Advanced modeling of protein sequence and biophysical properties (such as structural, functional, and spatial information, amino acid conservation, physicochemical variation, residue mobility, and thermodynamic stability) performed at Invitae indicates that this missense variant is expected to disrupt CYBB protein function. This variant has not been reported in the literature in individuals affected with CYBB-related conditions. This variant is not present in population databases (gnomAD no frequency).

Literature cited by the submitters: PubMed 8101486 (cited by Labcorp Genetics (formerly Invitae), Labcorp); PubMed 10914676 (cited by Labcorp Genetics (formerly Invitae), Labcorp); PubMed 21659519 (cited by Labcorp Genetics (formerly Invitae), Labcorp); PubMed 30470980 (cited by Labcorp Genetics (formerly Invitae), Labcorp).